The following is an entry in ClinVar:

NM_006766.5(KAT6A):c.2920A>G (p.Ser974Gly)

Gene: KAT6A (lysine acetyltransferase 6A; minus strand). Cytogenetic location: 8p11.21.
Variant type: single nucleotide variant.
Coding change: c.2920A>G on transcript NM_006766.5 (MANE Select); coding-DNA position 2920, A replaced by G.
Protein change: p.Ser974Gly; replaces serine 974 with glycine.
Molecular consequence: missense variant.
Genome position (GRCh38, 1-based): chr8:41,940,961, T>C on the plus strand (A>G on the coding strand, the complement: KAT6A is on the minus strand). VCF-style: chr8-41940961-T-C. GRCh37 (hg19) VCF-style: chr8-41798479-T-C.
Other names: c.2920A>G (NM_006766.3); short protein forms S974G.
Identifiers: ClinVar variation 2192137 (VCV002192137.5), dbSNP rs764855969, ClinGen allele CA4729807.
Genomic context (GRCh38, chr8:41,940,961, plus strand): 5'-GCTCCTCCTCCTCCTCGCTGCTCTCACTGAAGCCCCTGAGGACAGCCCTGTCACCCTCAC[T>C]GTAGCGACGGGGCAGCCTCTCACTTCCTTCTGTTAATCTGCACTTCAGAGCCTCAGGGCT-3'
Protein context (NP_006757.2, residues 964-984): EGSERLPRRY[Ser974Gly]EGDRAVLRGF

ClinVar aggregate classification (germline): Conflicting classifications of pathogenicity. Review status: criteria provided, conflicting classifications (1 of 4 stars). 2 submissions from 2 submitters: Uncertain significance (1); Likely benign (1). Last evaluated 2025-12-16.

Conditions:
Inborn genetic diseases. Identifiers: MedGen C0950123, MeSH D030342.

Allele frequency attached by ClinVar (database versions not stated): ExAC 0.00001; gnomAD 0.00001; gnomAD exomes 0.00002; TOPMed below 0.00001.
gnomAD v4.1: 28 of 1,614,088 alleles (0.0017%); highest among the groups gnomAD compares: Non-Finnish European, 0.0023%; no homozygotes.

Submissions (2):

Ambry Genetics
Classification: Likely benign for Inborn genetic diseases. Last evaluated: 2025-12-16. Review status: criteria provided, single submitter. Criteria: Ambry Variant Classification Scheme 2023. Collection method: clinical testing. Allele origin: germline.

Labcorp Genetics (formerly Invitae), Labcorp
Classification: Uncertain significance. Last evaluated: 2023-07-26. Review status: criteria provided, single submitter. Criteria: Invitae Variant Classification Sherloc (09022015). Collection method: clinical testing. Allele origin: germline.
Comment: An algorithm developed to predict the effect of missense changes on protein structure and function (PolyPhen-2) suggests that this variant is likely to be tolerated. ClinVar contains an entry for this variant (Variation ID: 2192137). In summary, the available evidence is currently insufficient to determine the role of this variant in disease. Therefore, it has been classified as a Variant of Uncertain Significance. This variant has not been reported in the literature in individuals affected with KAT6A-related conditions. This variant is present in population databases (rs764855969, gnomAD 0.0009%). This sequence change replaces serine, which is neutral and polar, with glycine, which is neutral and non-polar, at codon 974 of the KAT6A protein (p.Ser974Gly).